The following is an entry in ClinVar:

NM_006940.6(SOX5):c.811-4G>A

Gene: SOX5 (SRY-box transcription factor 5; minus strand). Cytogenetic location: 12p12.1.
Variant type: single nucleotide variant.
Coding change: c.811-4G>A on transcript NM_006940.6 (MANE Select); 4 bases into the intron before coding-DNA position 811, G replaced by A.
Molecular consequence: intron variant.
Genome position (GRCh38, 1-based): chr12:23,665,568, C>T on the plus strand (G>A on the coding strand, the complement: SOX5 is on the minus strand). VCF-style: chr12-23665568-C-T. GRCh37 (hg19) VCF-style: chr12-23818502-C-T.
Other names: c.772-4G>A (NM_152989.5, NM_001261414.3); c.781-4G>A (NM_001261415.3); c.706-4G>A (NM_001330785.2); c.811-4G>A (NM_006940.5).
Identifiers: ClinVar variation 2504034 (VCV002504034.1), dbSNP rs1216949723, ClinGen allele CA686651397.

ClinVar aggregate classification (germline): Uncertain significance (1 of 4 stars; one submission).

Allele frequency attached by ClinVar (database versions not stated): TOPMed below 0.00001; gnomAD 0.00001.
gnomAD v4.1: 1 of 1,611,208 alleles (0.000062%); highest among the groups gnomAD compares: Non-Finnish European, 0.000085%; no homozygotes.

Submission:

Women's Health and Genetics/Laboratory Corporation of America, LabCorp
Classification: Uncertain significance. Last evaluated: 2023-04-18. Review status: criteria provided, single submitter. Criteria: LabCorp Variant Classification Summary - May 2015. Collection method: clinical testing. Allele origin: germline.
Comment: Variant summary: SOX5 c.811-4G>A alters a conserved nucleotide located close to a canonical splice site and therefore could affect mRNA splicing, leading to a significantly altered protein sequence. Several computational tools predict a significant impact on normal splicing: Three predicts the variant abolishes a cryptic 3' acceptor site and four predict the variant strengthens the canonical 3' acceptor site. However, these predictions have yet to be confirmed by functional studies. The variant was absent in 248002 control chromosomes (gnomAD). The available data on variant occurrences in the general population are insufficient to allow any conclusion about variant significance. To our knowledge, no occurrence of c.811-4G>A in individuals affected with Lamb-Shaffer Syndrome and no experimental evidence demonstrating its impact on protein function have been reported. No clinical diagnostic laboratories have submitted clinical-significance assessments for this variant to ClinVar after 2014. Based on the evidence outlined above, the variant was classified as uncertain significance.